The following is an entry in ClinVar:

ClinVar aggregate classification (germline): Conflicting classifications of pathogenicity. Review status: criteria provided, conflicting classifications (1 of 4 stars). 5 submissions from 5 submitters: Uncertain significance (1); Benign (2); Likely benign (2). Last evaluated 2026-01-28.

Conditions:
Bethlem myopathy 1A. Also called: Bethlem Muscular Dystrophy; MYOPATHY, BENIGN CONGENITAL, WITH CONTRACTURES; Bethlem myopathy 1. Identifiers: Orphanet 610, MedGen CN029274, MONDO:0024530, OMIM 158810.
Collagen 6-related myopathy. Identifiers: MedGen CN117976, MONDO:0100225.

Allele frequency attached by ClinVar (database versions not stated): gnomAD exomes 0.00024; ExAC 0.00081; 1000 Genomes Project 0.00100; TOPMed 0.00141; gnomAD 0.00144.
gnomAD v4.1: 374 of 1,542,310 alleles (0.024%); highest among the groups gnomAD compares: African/African-American, 0.5%; no homozygotes.

Submissions (5):

Labcorp Genetics (formerly Invitae), Labcorp
Classification: Benign for Bethlem myopathy 1A. Last evaluated: 2026-01-28. Review status: criteria provided, single submitter. Criteria: Invitae Variant Classification Sherloc (09022015). Collection method: clinical testing. Allele origin: germline.

Blueprint Genetics
Classification: Likely benign. Last evaluated: 2024-05-28. Review status: criteria provided, single submitter. Criteria: ACMG Guidelines, 2015. Collection method: clinical testing. Allele origin: germline.

Eurofins Ntd Llc (ga)
Classification: Uncertain significance. Last evaluated: 2018-05-23. Review status: criteria provided, single submitter. Criteria: EGL ClinVar v180209 classification definitions. Collection method: clinical testing. Allele origin: germline. Observed: 5 variant alleles, 5 heterozygotes.

GeneDx
Classification: Likely benign. Last evaluated: 2018-02-12. Review status: criteria provided, single submitter. Criteria: GeneDx Variant Classification (06012015). Collection method: clinical testing. Allele origin: germline. Affected: yes.
Comment: This variant is considered likely benign or benign based on one or more of the following criteria: it is a conservative change, it occurs at a poorly conserved position in the protein, it is predicted to be benign by multiple in silico algorithms, and/or has population frequency not consistent with disease.

Illumina Laboratory Services, Illumina
Classification: Benign for Collagen VI-related myopathy. Last evaluated: 2018-01-13. Review status: criteria provided, single submitter. Criteria: ICSL Variant Classification Criteria 13 December 2019. Collection method: clinical testing. Allele origin: germline.
Comment: This variant was observed in the ICSL laboratory as part of a predisposition screen in an ostensibly healthy population. It had not been previously curated by ICSL or reported in the Human Gene Mutation Database (HGMD: prior to June 1st, 2018), and was therefore a candidate for classification through an automated scoring system. Utilizing variant allele frequency, disease prevalence and penetrance estimates, and inheritance mode, an automated score was calculated to assess if this variant is too frequent to cause the disease. Based on the score and internal cut-off values, a variant classified as benign is not then subjected to further curation. The score for this variant resulted in a classification of benign for this disease.

NM_001848.3(COL6A1):c.588+8C>G

Gene: COL6A1 (collagen type VI alpha 1 chain; plus strand). Cytogenetic location: 21q22.3.
Variant type: single nucleotide variant.
Coding change: c.588+8C>G on transcript NM_001848.3 (MANE Select); 8 bases into the intron after coding-DNA position 588, C replaced by G.
Molecular consequence: intron variant.
Genome position (GRCh38, 1-based): chr21:45,986,693, C>G. VCF-style: chr21-45986693-C-G. GRCh37 (hg19) VCF-style: chr21-47406607-C-G.
Identifiers: ClinVar variation 93882 (VCV000093882.20), dbSNP rs398123638, ClinGen allele CA221792.